The following is an entry in ClinVar:

ClinVar aggregate classification (germline): Benign (1 of 4 stars; one submission).

Conditions:
Familial cancer of breast. Also called: BREAST CANCER, FAMILIAL; Hereditary breast cancer; hereditary breast carcinoma. Identifiers: Orphanet 227535, MedGen C0346153, MONDO:0016419, OMIM 114480. Disease mechanism: loss of function.

Submission:

Myriad Genetics, Inc.
Classification: Benign for Familial cancer of breast. Last evaluated: 2024-05-14. Review status: criteria provided, single submitter. Criteria: Myriad Autosomal Dominant, Autosomal Recessive and X-Linked Classification Criteria (2023). Collection method: clinical testing. Allele origin: unknown.
Comment: This variant is considered benign. This variant is a silent/synonymous amino acid change and it is not expected to impact splicing.

NM_000051.4(ATM):c.3456T>C (p.Ser1152=)

Gene: ATM (ATM serine/threonine kinase; plus strand). Cytogenetic location: 11q22.3.
Variant type: single nucleotide variant.
Coding change: c.3456T>C on transcript NM_000051.4 (MANE Select); coding-DNA position 3456, T replaced by C.
Protein change: p.Ser1152=; no amino-acid change (serine 1152 retained).
Molecular consequence: synonymous variant.
Genome position (GRCh38, 1-based): chr11:108,281,048, T>C. VCF-style: chr11-108281048-T-C. GRCh37 (hg19) VCF-style: chr11-108151775-T-C.
Other names: c.3456T>C, p.Ser1152= (NM_001351834.2).
Identifiers: ClinVar variation 3254492 (VCV003254492.1), dbSNP rs2135666779.